The following is an entry in ClinVar:

ClinVar aggregate classification (germline): Uncertain significance (1 of 4 stars; one submission).

Submission:

Labcorp Genetics (formerly Invitae), Labcorp
Classification: Uncertain significance. Last evaluated: 2025-10-15. Review status: criteria provided, single submitter. Criteria: Invitae Variant Classification Sherloc (09022015). Collection method: clinical testing. Allele origin: germline.
Comment: This sequence change replaces glutamine, which is neutral and polar, with histidine, which is basic and polar, at codon 123 of the STAG2 protein (p.Gln123His). This variant is not present in population databases (gnomAD no frequency). This variant has not been reported in the literature in individuals affected with STAG2-related conditions. An algorithm developed to predict the effect of missense changes on protein structure and function (PolyPhen-2) suggests that this variant is likely to be tolerated. In summary, the available evidence is currently insufficient to determine the role of this variant in disease. Therefore, it has been classified as a Variant of Uncertain Significance.

NM_001042750.2(STAG2):c.369G>T (p.Gln123His)

Gene: STAG2 (STAG2 cohesin complex component; plus strand). Cytogenetic location: Xq25.
Variant type: single nucleotide variant.
Coding change: c.369G>T on transcript NM_001042750.2 (MANE Select); coding-DNA position 369, G replaced by T.
Protein change: p.Gln123His; replaces glutamine 123 with histidine.
Molecular consequence: missense variant.
Genome position (GRCh38, 1-based): chrX:124,037,607, G>T. VCF-style: chrX-124037607-G-T. GRCh37 (hg19) VCF-style: chrX-123171457-G-T.
Other names: c.369G>T, p.Gln123His (NM_001042749.2, NM_001042751.2, NM_001282418.2 and 23 more transcripts); short protein forms Q123H.
Identifiers: ClinVar variation 4693332 (VCV004693332.1).